The following is an entry in ClinVar:

ClinVar aggregate classification (germline): Conflicting classifications of pathogenicity. Review status: criteria provided, conflicting classifications (1 of 4 stars). 2 submissions from 2 submitters: Uncertain significance (1); Likely benign (1). Last evaluated 2024-05-03.

Conditions:
Cardiovascular phenotype. Identifiers: MedGen CN230736.

Allele frequency attached by ClinVar (database versions not stated): gnomAD 0.00003; TOPMed 0.00004.
gnomAD v4.1: 132 of 1,550,224 alleles (0.0085%); highest among the groups gnomAD compares: East Asian, 0.32%; no homozygotes.

Submissions (2):

Ambry Genetics
Classification: Likely benign for Cardiovascular phenotype. Last evaluated: 2024-05-03. Review status: criteria provided, single submitter. Criteria: Ambry Variant Classification Scheme 2023. Collection method: clinical testing. Allele origin: germline.

GeneDx
Classification: Uncertain significance. Last evaluated: 2023-02-03. Review status: criteria provided, single submitter. Criteria: GeneDx Variant Classification Process June 2021. Collection method: clinical testing. Allele origin: germline. Affected: yes.
Comment: Has not been previously published as pathogenic or benign to our knowledge; Not observed at significant frequency in large population cohorts (gnomAD); In silico analysis supports that this missense variant has a deleterious effect on protein structure/function

NM_001367624.2(ZNF469):c.764C>T (p.Pro255Leu)

Gene: ZNF469 (zinc finger protein 469; plus strand). Cytogenetic location: 16q24.2.
Variant type: single nucleotide variant.
Coding change: c.764C>T on transcript NM_001367624.2 (MANE Select); coding-DNA position 764, C replaced by T.
Protein change: p.Pro255Leu; replaces proline 255 with leucine.
Molecular consequence: missense variant.
Genome position (GRCh38, 1-based): chr16:88,428,234, C>T. VCF-style: chr16-88428234-C-T. GRCh37 (hg19) VCF-style: chr16-88494642-C-T.
Other names: NM_001127464.1:c.764C>T; short protein forms P255L.
Identifiers: ClinVar variation 1759971 (VCV001759971.4), dbSNP rs930744713, ClinGen allele CA286372090.